The following is an entry in ClinVar:

NM_004991.4(MECOM):c.3398T>A (p.Val1133Glu)

Gene: MECOM (MDS1 and EVI1 complex locus; minus strand). Cytogenetic location: 3q26.2.
Variant type: single nucleotide variant.
Coding change: c.3398T>A on transcript NM_004991.4 (MANE Select); coding-DNA position 3398, T replaced by A.
Protein change: p.Val1133Glu; replaces valine 1133 with glutamic acid.
Molecular consequence: missense variant.
Genome position (GRCh38, 1-based): chr3:169,090,003, A>T on the plus strand (T>A on the coding strand, the complement: MECOM is on the minus strand). VCF-style: chr3-169090003-A-T. GRCh37 (hg19) VCF-style: chr3-168807791-A-T.
Other names: c.2807T>A, p.Val936Glu (NM_001366471.2, NM_001366472.2, NM_001164000.2); c.2399T>A, p.Val800Glu (NM_001366473.2); c.1835T>A, p.Val612Glu (NM_001366474.2); c.2834T>A, p.Val945Glu (NM_005241.4, NM_001105078.4, NM_001205194.2 and 1 more transcripts); c.3029T>A, p.Val1010Glu (NM_001105077.4); c.2810T>A, p.Val937Glu (NM_001163999.2, NM_001366470.2); c.3371T>A, p.Val1124Glu (NM_001366466.2); c.2837T>A, p.Val946Glu (NM_001366467.2, NM_001366468.2); short protein forms V1133E, V800E, V936E, V945E, V946E, V612E, V937E, V1124E.
Identifiers: ClinVar variation 4624705 (VCV004624705.1).

ClinVar aggregate classification (germline): Uncertain significance (1 of 4 stars; one submission).

Conditions:
Inborn genetic diseases. Identifiers: MedGen C0950123, MeSH D030342.

gnomAD v4.1: 1 of 1,612,476 alleles (0.000062%); highest among the groups gnomAD compares: Non-Finnish European, 0.000085%; no homozygotes.

Submission:

Ambry Genetics
Classification: Uncertain significance for Inborn genetic diseases. Last evaluated: 2025-11-24. Review status: criteria provided, single submitter. Criteria: Ambry Variant Classification Scheme 2023. Collection method: clinical testing. Allele origin: germline.
Comment: The p.V1133E variant (also known as c.3398T>A), located in coding exon 15 of the MECOM gene, results from a T to A substitution at nucleotide position 3398. The valine at codon 1133 is replaced by glutamic acid, an amino acid with dissimilar properties. This amino acid position is conserved. In addition, this alteration is predicted to be tolerated by in silico analysis. Based on the available evidence, the clinical significance of this variant remains unclear.